The following is an entry in ClinVar:

ClinVar aggregate classification (germline): Uncertain significance. Review status: criteria provided, multiple submitters, no conflicts (2 of 4 stars). 2 submissions from 2 submitters: Uncertain significance (2). Last evaluated 2024-10-18.

Conditions:
Tuberous sclerosis 2 (TSC2). Identifiers: Orphanet 805, MedGen C1860707, MONDO:0013199, OMIM 613254.
Hereditary cancer-predisposing syndrome. Also called: Hereditary neoplastic syndrome; Neoplastic Syndromes, Hereditary; Hereditary Cancer Syndrome; Tumor predisposition. Identifiers: Orphanet 140162, MedGen C0027672, MeSH D009386, MONDO:0015356.

Submissions (2):

Ambry Genetics
Classification: Uncertain significance for Hereditary cancer-predisposing syndrome. Last evaluated: 2024-10-18. Review status: criteria provided, single submitter. Criteria: Ambry Variant Classification Scheme 2023. Collection method: clinical testing. Allele origin: germline.
Comment: The c.1361+3A>G intronic variant results from an A to G substitution 3 nucleotides after coding exon 12 in the TSC2 gene. This nucleotide position is not well conserved in available vertebrate species. In silico splice site analysis predicts that this alteration will not have any significant effect on splicing. Based on the available evidence, the clinical significance of this variant remains unclear.

Labcorp Genetics (formerly Invitae), Labcorp
Classification: Uncertain significance for Tuberous sclerosis 2. Last evaluated: 2018-06-12. Review status: criteria provided, single submitter. Criteria: Invitae Variant Classification Sherloc (09022015). Collection method: clinical testing. Allele origin: germline.
Comment: In summary, the available evidence is currently insufficient to determine the role of this variant in disease. Therefore, it has been classified as a Variant of Uncertain Significance. Nucleotide substitutions within the consensus splice site are a relatively common cause of aberrant splicing (PMID: 17576681, 9536098). Algorithms developed to predict the effect of sequence changes on RNA splicing suggest that this variant may disrupt the consensus splice site, but this prediction has not been confirmed by published transcriptional studies. This variant has not been reported in the literature in individuals with TSC2-related disease. This variant is not present in population databases (ExAC no frequency). This sequence change falls in intron 13 of the TSC2 gene. It does not directly change the encoded amino acid sequence of the TSC2 protein, but it affects a nucleotide within the consensus splice site of the intron.

Literature cited by the submitters: PubMed 17576681 (cited by Labcorp Genetics (formerly Invitae), Labcorp); PubMed 9536098 (cited by Labcorp Genetics (formerly Invitae), Labcorp).

NM_000548.5(TSC2):c.1361+3A>G

Gene: TSC2 (TSC complex subunit 2; plus strand). Cytogenetic location: 16p13.3.
Variant type: single nucleotide variant.
Coding change: c.1361+3A>G on transcript NM_000548.5 (MANE Select); 3 bases into the intron after coding-DNA position 1361, A replaced by G.
Molecular consequence: intron variant.
Genome position (GRCh38, 1-based): chr16:2,062,603, A>G. VCF-style: chr16-2062603-A-G. GRCh37 (hg19) VCF-style: chr16-2112604-A-G.
Other names: c.1361+3A>G (NM_001114382.3, NM_021055.3, NM_001370405.1 and 3 more transcripts); c.1250+3A>G (NM_001318827.2); c.761+3A>G (NM_001318831.2); c.1214+3A>G (NM_001318829.2); c.1394+3A>G (NM_001318832.2).
Identifiers: ClinVar variation 572928 (VCV000572928.7), dbSNP rs1567431655, ClinGen allele CA891844062.
Genomic context (GRCh38, chr16:2,062,603, plus strand): 5'-ACCCGGCCAAGGACGGCTGGATTCAGAACCTGCAGGCGCTGATGGAGAGATTCTTCAGGT[A>G]GGGGGTCCTCTGTAGCCTTGCCTGGCACCTGGAGCCTGGCCCTGTCTCTGTCTGGGGCCC-3'